The following is an entry in ClinVar:

NM_000535.7(PMS2):c.1212T>C (p.Pro404=)

Gene: PMS2 (PMS1 homolog 2, mismatch repair system component; minus strand). Cytogenetic location: 7p22.1.
Variant type: single nucleotide variant.
Coding change: c.1212T>C on transcript NM_000535.7 (MANE Select); coding-DNA position 1212, T replaced by C.
Protein change: p.Pro404=; no amino-acid change (proline 404 retained).
Molecular consequence: synonymous variant. On other transcripts: non-coding transcript variant (1), intron variant (1).
Genome position (GRCh38, 1-based): chr7:5,987,553, A>G on the plus strand (T>C on the coding strand, the complement: PMS2 is on the minus strand). VCF-style: chr7-5987553-A-G. GRCh37 (hg19) VCF-style: chr7-6027184-A-G.
Other names: c.807T>C, p.Pro269= (NM_001406891.1, NM_001406892.1, NM_001406893.1 and 17 more transcripts); c.747T>C, p.Pro249= (NM_001406900.1); c.738T>C, p.Pro246= (NM_001406901.1, NM_001406902.1); c.894T>C, p.Pro298= (NM_001406903.1, NM_001406883.1, NM_001322007.2 and 2 more transcripts); c.699T>C, p.Pro233= (NM_001406904.1, NM_001406905.1); c.651T>C, p.Pro217= (NM_001406906.1, NM_001406907.1, NM_001322010.2); c.639T>C, p.Pro213= (NM_001406909.1, NM_001322013.2); c.441T>C, p.Pro147= (NM_001406911.1); and 13 more.
Identifiers: ClinVar variation 3005678 (VCV003005678.4), dbSNP rs2535833647, ClinGen allele CA453748552.

ClinVar aggregate classification (germline): Benign/Likely benign. Review status: criteria provided, multiple submitters, no conflicts (2 of 4 stars). 2 submissions from 2 submitters: Benign (1); Likely benign (1). Last evaluated 2025-01-30.

Conditions:
Hereditary nonpolyposis colorectal neoplasms. Identifiers: MedGen C0009405, MeSH D003123.
Lynch syndrome 4 (LYNCH4). Also called: Colorectal cancer, hereditary nonpolyposis, type 4; Hereditary non-polyposis colorectal cancer, type 4. Identifiers: Orphanet 144, MedGen C1838333, MONDO:0013699, OMIM 614337. Disease mechanism: loss of function.

Submissions (2):

Myriad Genetics, Inc.
Classification: Benign for Lynch syndrome 4. Last evaluated: 2025-01-30. Review status: criteria provided, single submitter. Criteria: Myriad Autosomal Dominant, Autosomal Recessive and X-Linked Classification Criteria (2023). Collection method: clinical testing. Allele origin: unknown.
Comment: This variant is considered benign. This variant is a silent/synonymous amino acid change and it is not expected to impact splicing.

Labcorp Genetics (formerly Invitae), Labcorp
Classification: Likely benign for Hereditary nonpolyposis colorectal neoplasms. Last evaluated: 2022-12-01. Review status: criteria provided, single submitter. Criteria: Invitae Variant Classification Sherloc (09022015). Collection method: clinical testing. Allele origin: germline.